The following is an entry in ClinVar:

ClinVar aggregate classification (germline): Uncertain significance (1 of 4 stars; one submission).

Conditions:
Sideroblastic anemia 2. Also called: Anemia, sideroblastic, 2, pyridoxine-refractory. Identifiers: Orphanet 260305, MedGen C4225425, MONDO:0008785, OMIM 205950.

Allele frequency attached by ClinVar (database versions not stated): gnomAD 0.00001.

Submission:

Johns Hopkins Genomics, Johns Hopkins University
Classification: Uncertain significance for Sideroblastic anemia 2. Last evaluated: 2022-03-03. Review status: criteria provided, single submitter. Criteria: ACMG Guidelines, 2015. Collection method: clinical testing. Allele origin: germline.
Comment: This SLC25A38 variant (rs1301345110) is rare (<0.1%) in a large population dataset (gnomAD: 1/31388 total alleles; 0.003%; no homozygotes) and has not been reported in ClinVar nor the literature, to our knowledge. Three bioinformatic tools queried predict that this substitution would be damaging, and the lysine residue at this position is strongly conserved across the vertebrate species assessed. Bioinformatic analysis predicts that this variant would not affect normal exon 2 splicing, although this has not been confirmed experimentally to our knowledge. Due to insufficient evidence, we consider the clinical significance of this variant to be uncertain at this time.

Literature cited by the submitters: PubMed 19412178; PubMed 21393332.

NM_017875.4(SLC25A38):c.85A>G (p.Lys29Glu)

Gene: SLC25A38 (solute carrier family 25 member 38; plus strand). Cytogenetic location: 3p22.1.
Variant type: single nucleotide variant.
Coding change: c.85A>G on transcript NM_017875.4 (MANE Select); coding-DNA position 85, A replaced by G.
Protein change: p.Lys29Glu; replaces lysine 29 with glutamic acid.
Molecular consequence: missense variant.
Genome position (GRCh38, 1-based): chr3:39,389,510, A>G. VCF-style: chr3-39389510-A-G. GRCh37 (hg19) VCF-style: chr3-39431001-A-G.
Other names: c.85A>G, p.Lys29Glu (NM_001354798.2); short protein forms K29E.
Identifiers: ClinVar variation 1704376 (VCV001704376.1), dbSNP rs1301345110, ClinGen allele CA352198601.
Genomic context (GRCh38, chr3:39,389,510, plus strand): 5'-CTCACACAGGCAGAGCTACTGACACAATATTGTCTTATCCTGCAGTTACATCCGGTGATC[A>G]AGGCTTTCCTGTGTGGCTCCATCAGTGGGACCTGCTCTACCCTCCTTTTCCAACCTCTGG-3'
Protein context (NP_060345.2, residues 19-39): VETLMLHPVI[Lys29Glu]AFLCGSISGT